The following is an entry in ClinVar:

NM_006306.4(SMC1A):c.1405C>T (p.Arg469Cys)

Gene: SMC1A (structural maintenance of chromosomes 1A; minus strand). Cytogenetic location: Xp11.22.
Variant type: single nucleotide variant.
Coding change: c.1405C>T on transcript NM_006306.4 (MANE Select); coding-DNA position 1405, C replaced by T.
Protein change: p.Arg469Cys; replaces arginine 469 with cysteine.
Molecular consequence: missense variant.
Genome position (GRCh38, 1-based): chrX:53,409,202, G>A on the plus strand (C>T on the coding strand, the complement: SMC1A is on the minus strand). VCF-style: chrX-53409202-G-A. GRCh37 (hg19) VCF-style: chrX-53436133-G-A.
Other names: c.1339C>T, p.Arg447Cys (NM_001281463.1); short protein forms R469C, R447C.
Identifiers: ClinVar variation 3724237 (VCV003724237.2).
Genomic context (GRCh38, chrX:53,409,202, plus strand): 5'-TGCGGGCATCCCCTAGCTGCTCCATCACCTGGTTCAGCTCCTTATTGATTTCATCAATAC[G>A]CCGCTTGGCCATCTCCACCTCCTCTGTCAGCTCCCCCTCTAGCTTCTTCTGCTCTTCTAG-3'
Protein context (NP_006297.2, residues 459-479): LTEEVEMAKR[Arg469Cys]IDEINKELNQ

ClinVar aggregate classification (germline): Likely pathogenic (1 of 4 stars; one submission).

Conditions:
Congenital muscular hypertrophy-cerebral syndrome (CDLS2). Also called: Cornelia de Lange syndrome 2; SMC1A-Related Cornelia de Lange Syndrome. Identifiers: Orphanet 199, MedGen C1802395, MONDO:0010370, OMIM 300590.

gnomAD v4.1: 1 of 1,210,661 alleles (0.000083%); highest among the groups gnomAD compares: Non-Finnish European, 0.00011%; no homozygotes.

Submission:

Labcorp Genetics (formerly Invitae), Labcorp
Classification: Likely pathogenic for Congenital muscular hypertrophy-cerebral syndrome. Last evaluated: 2024-12-22. Review status: criteria provided, single submitter. Criteria: Invitae Variant Classification Sherloc (09022015). Collection method: clinical testing. Allele origin: germline.
Comment: This sequence change replaces arginine, which is basic and polar, with cysteine, which is neutral and slightly polar, at codon 469 of the SMC1A protein (p.Arg469Cys). This variant is not present in population databases (gnomAD no frequency). This missense change has been observed in individual(s) with clinical features of Cornelia de Lange syndrome (PMID: 25271213). It has also been observed to segregate with disease in related individuals. Invitae Evidence Modeling of protein sequence and biophysical properties (such as structural, functional, and spatial information, amino acid conservation, physicochemical variation, residue mobility, and thermodynamic stability) indicates that this missense variant is expected to disrupt SMC1A protein function with a positive predictive value of 80%. In summary, the currently available evidence indicates that the variant is pathogenic, but additional data are needed to prove that conclusively. Therefore, this variant has been classified as Likely Pathogenic.

Literature cited by the submitters: PubMed 25271213.